The following is an entry in ClinVar:

NM_001136035.4(TRMT1):c.1942C>G (p.Pro648Ala)

Gene: TRMT1 (tRNA methyltransferase 1; minus strand). Cytogenetic location: 19p13.13.
Variant type: single nucleotide variant.
Coding change: c.1942C>G on transcript NM_001136035.4 (MANE Select); coding-DNA position 1942, C replaced by G.
Protein change: p.Pro648Ala; replaces proline 648 with alanine.
Molecular consequence: missense variant.
Genome position (GRCh38, 1-based): chr19:13,104,973, G>C on the plus strand (C>G on the coding strand, the complement: TRMT1 is on the minus strand). VCF-style: chr19-13104973-G-C. GRCh37 (hg19) VCF-style: chr19-13215787-G-C.
Other names: c.1855C>G, p.Pro619Ala (NM_001142554.3, NM_001351760.2); c.1834C>G, p.Pro612Ala (NM_001351761.2); c.1159C>G, p.Pro387Ala (NM_001351762.2); c.1942C>G, p.Pro648Ala (NM_017722.5); c.1942C>G (NM_001136035.2); short protein forms P619A, P648A, P387A, P612A.
Identifiers: ClinVar variation 2372954 (VCV002372954.4), dbSNP rs144546583, ClinGen allele CA9237420.
Genomic context (GRCh38, chr19:13,104,973, plus strand): 5'-GACGTGACATCTCTTTATTGGTTCAGTCTATGCCTGGCCCAGCGGCAGCCCCAGGTCCAG[G>C]GGGGGTCTGGTTGGAGGTCTCTGGACAGTCAGGGGCAGCATCAGCAGAAACCCTGGGTGT-3'
Protein context (NP_001129507.1, residues 638-658): DCPETSNQTP[Pro648Ala]GPGAAAGPGI

ClinVar aggregate classification (germline): Uncertain significance. Review status: criteria provided, multiple submitters, no conflicts (2 of 4 stars). 2 submissions from 2 submitters: Uncertain significance (2). Last evaluated 2025-04-30.

Conditions:
Inborn genetic diseases. Identifiers: MedGen C0950123, MeSH D030342.

Allele frequency attached by ClinVar (database versions not stated): ESP Exome Variant Server 0.00031.

Submissions (2):

Ambry Genetics
Classification: Uncertain significance for Inborn genetic diseases. Last evaluated: 2025-04-30. Review status: criteria provided, single submitter. Criteria: Ambry Variant Classification Scheme 2023. Collection method: clinical testing. Allele origin: germline.

GeneDx
Classification: Uncertain significance. Last evaluated: 2023-08-02. Review status: criteria provided, single submitter. Criteria: GeneDx Variant Classification Process June 2021. Collection method: clinical testing. Allele origin: germline. Affected: yes.
Comment: In silico analysis supports that this missense variant does not alter protein structure/function; Has not been previously published as pathogenic or benign to our knowledge